The following is an entry in ClinVar:

ClinVar aggregate classification (germline): Pathogenic (1 of 4 stars; one submission).

Conditions:
Neuromuscular disease caused by qualitative or quantitative defects of dysferlin. Also called: Dysferlinopathy; Qualitative or quantitative defects of dysferlin. Identifiers: Orphanet 207073, MedGen C2931687, MONDO:0016145.

Submission:

Labcorp Genetics (formerly Invitae), Labcorp
Classification: Pathogenic for Neuromuscular disease caused by qualitative or quantitative defects of dysferlin. Last evaluated: 2025-05-13. Review status: criteria provided, single submitter. Criteria: Invitae Variant Classification Sherloc (09022015). Collection method: clinical testing. Allele origin: germline.
Comment: This sequence change creates a premature translational stop signal (p.Arg1581Valfs*27) in the DYSF gene. It is expected to result in an absent or disrupted protein product. Loss-of-function variants in DYSF are known to be pathogenic (PMID: 17698709, 20301480). This variant is not present in population databases (gnomAD no frequency). This variant has not been reported in the literature in individuals affected with DYSF-related conditions. For these reasons, this variant has been classified as Pathogenic.

Literature cited by the submitters: PubMed 17698709; PubMed 20301480.

NM_001130987.2(DYSF):c.4858del (p.Arg1620fs)

Gene: DYSF (dysferlin; plus strand). Cytogenetic location: 2p13.2.
Variant type: Deletion.
Coding change: c.4858del on transcript NM_001130987.2 (MANE Select); coding-DNA position 4858, one base deleted (C; older notation c.4858delC).
Protein change: p.Arg1620fs; shifts the reading frame from arginine 1620.
Molecular consequence: frameshift variant.
Genome position (GRCh38, 1-based): chr2:71,658,980, C deleted; the last of 2 consecutive C bases (chr2:71,658,979-71,658,980); deleting either gives the same sequence. VCF-style (leftmost placement, unchanged base first): chr2-71658978-TC-T. GRCh37 (hg19) VCF-style: chr2-71886108-TC-T.
Other names: c.4744del, p.Arg1582fs (NM_001130455.2); c.4699del, p.Arg1567fs (NM_001130976.2); c.4762del, p.Arg1588fs (NM_001130977.2); c.4804del, p.Arg1602fs (NM_001130978.2); c.4834del, p.Arg1612fs (NM_001130979.2); c.4792del, p.Arg1598fs (NM_001130980.2); c.4855del, p.Arg1619fs (NM_001130981.2); c.4837del, p.Arg1613fs (NM_001130982.2); and 5 more; short protein forms R1620fs, R1582fs, R1599fs, R1603fs, R1567fs, R1568fs, R1589fs, R1602fs.
Identifiers: ClinVar variation 4719530 (VCV004719530.1).